The following is an entry in ClinVar:

NM_139319.3(SLC17A8):c.187C>G (p.Pro63Ala)

Gene: SLC17A8 (solute carrier family 17 member 8; plus strand). Cytogenetic location: 12q23.1.
Variant type: single nucleotide variant.
Coding change: c.187C>G on transcript NM_139319.3 (MANE Select); coding-DNA position 187, C replaced by G.
Protein change: p.Pro63Ala; replaces proline 63 with alanine.
Molecular consequence: missense variant.
Genome position (GRCh38, 1-based): chr12:100,380,786, C>G. VCF-style: chr12-100380786-C-G. GRCh37 (hg19) VCF-style: chr12-100774564-C-G.
Other names: c.187C>G, p.Pro63Ala (NM_001145288.2); short protein forms P63A.
Identifiers: ClinVar variation 2805551 (VCV002805551.3), dbSNP rs778910826, ClinGen allele CA6738691.

ClinVar aggregate classification (germline): Uncertain significance (1 of 4 stars; one submission).

gnomAD v4.1: 4 of 1,614,100 alleles (0.00025%); highest among the groups gnomAD compares: South Asian, 0.0033%; 1 homozygote.

Submission:

Labcorp Genetics (formerly Invitae), Labcorp
Classification: Uncertain significance. Last evaluated: 2024-10-24. Review status: criteria provided, single submitter. Criteria: Invitae Variant Classification Sherloc (09022015). Collection method: clinical testing. Allele origin: germline.
Comment: This sequence change replaces proline, which is neutral and non-polar, with alanine, which is neutral and non-polar, at codon 63 of the SLC17A8 protein (p.Pro63Ala). This variant is present in population databases (rs778910826, gnomAD 0.006%). This variant has not been reported in the literature in individuals affected with SLC17A8-related conditions. An algorithm developed to predict the effect of missense changes on protein structure and function (PolyPhen-2) suggests that this variant is likely to be tolerated. In summary, the available evidence is currently insufficient to determine the role of this variant in disease. Therefore, it has been classified as a Variant of Uncertain Significance.